The following is an entry in ClinVar:

NM_001540.3(HSPB1):c.-46C>T

Gene: HSPB1 (heat shock protein family B (small) member 1; plus strand). Cytogenetic location: 7q11.23.
Variant type: single nucleotide variant.
Coding change: c.-46C>T on transcript NM_001540.3; 46 bases upstream of the start codon, C replaced by T.
Genome position (GRCh38, 1-based): chr7:76,302,667, C>T. VCF-style: chr7-76302667-C-T. GRCh37 (hg19) VCF-style: chr7-75931984-C-T.
Identifiers: ClinVar variation 360735 (VCV000360735.10), dbSNP rs35907174, ClinGen allele CA4306204.

ClinVar aggregate classification (germline): Benign. Review status: criteria provided, multiple submitters, no conflicts (2 of 4 stars). 3 submissions from 2 submitters: Benign (3). Last evaluated 2018-01-12.

Conditions:
Charcot-Marie-Tooth disease axonal type 2F (CMT2F). Also called: CHARCOT-MARIE-TOOTH DISEASE, NEURONAL, TYPE 2F; Charcot-Marie-Tooth Neuropathy Type 2F. Identifiers: Orphanet 99940, MedGen C1847823, MONDO:0011687, OMIM 606595.
Neuronopathy, distal hereditary motor, type 2B. Also called: NEURONOPATHY, DISTAL HEREDITARY MOTOR, AUTOSOMAL DOMINANT 3; NEURONOPATHY, DISTAL HEREDITARY MOTOR, HARDING TYPE IIB; NEUROPATHY, DISTAL HEREDITARY MOTOR, HARDING TYPE IIB; HMN IIB. Identifiers: Orphanet 139525, MedGen C2608087, MONDO:0012080, OMIM 608634.

Allele frequency attached by ClinVar (database versions not stated): gnomAD exomes 0.00239 and 0.00569; ESP Exome Variant Server 0.02131; 1000 Genomes Project 30x 0.02108; TOPMed 0.02345; ExAC 0.00647; 1000 Genomes Project 0.02017.

Submissions (3):

Illumina Laboratory Services, Illumina
Classification: Benign for Neuronopathy, distal hereditary motor, type 2B. Last evaluated: 2018-01-12. Review status: criteria provided, single submitter. Criteria: ICSL Variant Classification Criteria 13 December 2019. Collection method: clinical testing. Allele origin: germline.
Comment: This variant was observed in the ICSL laboratory as part of a predisposition screen in an ostensibly healthy population. It had not been previously curated by ICSL or reported in the Human Gene Mutation Database (HGMD: prior to June 1st, 2018), and was therefore a candidate for classification through an automated scoring system. Utilizing variant allele frequency, disease prevalence and penetrance estimates, and inheritance mode, an automated score was calculated to assess if this variant is too frequent to cause the disease. Based on the score and internal cut-off values, a variant classified as benign is not then subjected to further curation. The score for this variant resulted in a classification of benign for this disease.

Illumina Laboratory Services, Illumina
Classification: Benign for Charcot-Marie-Tooth disease axonal type 2F. Last evaluated: 2018-01-12. Review status: criteria provided, single submitter. Criteria: ICSL Variant Classification Criteria 13 December 2019. Collection method: clinical testing. Allele origin: germline.
Comment: the same text as in the submission from Illumina Laboratory Services, Illumina above.

GeneDx
Classification: Benign. Last evaluated: 2015-03-03. Review status: criteria provided, single submitter. Criteria: GeneDx Variant Classification Process June 2021. Collection method: clinical testing. Allele origin: germline. Affected: yes.